The following is an entry in ClinVar:

NM_017636.4(TRPM4):c.2740A>T (p.Lys914Ter)

Gene: TRPM4 (transient receptor potential cation channel subfamily M member 4; plus strand). Cytogenetic location: 19q13.33.
Variant type: single nucleotide variant.
Coding change: c.2740A>T on transcript NM_017636.4 (MANE Select); coding-DNA position 2740, A replaced by T.
Protein change: p.Lys914Ter; replaces lysine 914 with a stop codon.
Molecular consequence: nonsense.
Genome position (GRCh38, 1-based): chr19:49,200,394, A>T. VCF-style: chr19-49200394-A-T. GRCh37 (hg19) VCF-style: chr19-49703651-A-T.
Other names: c.2305A>T, p.Lys769Ter (NM_001195227.2); c.2395A>T, p.Lys799Ter (NM_001321281.2); c.1132A>T, p.Lys378Ter (NM_001321282.2); c.2218A>T, p.Lys740Ter (NM_001321283.2); c.1678A>T, p.Lys560Ter (NM_001321285.2); short protein forms K914*, K378*, K560*, K740*, K769*, K799*.
Identifiers: ClinVar variation 241177 (VCV000241177.58), dbSNP rs140799936, ClinGen allele CA9569631.

ClinVar aggregate classification (germline): Conflicting classifications of pathogenicity. Review status: criteria provided, conflicting classifications (1 of 4 stars). 10 submissions from 10 submitters: Uncertain significance (3); Benign (1); Likely benign (5). 1 of the submissions does not count toward it. Last evaluated 2026-02-01.

Conditions:
TRPM4-related disorder. Also called: TRPM4-related condition; TRPM4-related disorders. Identifiers: MedGen CN239424.
Cardiovascular phenotype. Identifiers: MedGen CN230736.
Progressive familial heart block type IB (PFHB1B). Identifiers: Orphanet 871, MedGen C1970298, MONDO:0011474, OMIM 604559.
Cardiomyopathy (CMYO). Also called: Cardiomyopathies. Identifiers: Orphanet 167848, MedGen C0878544, MONDO:0004994, HP:0001638. Inheritance: Various modes of inheritance.
Erythrokeratodermia variabilis et progressiva 6. Identifiers: MedGen C5193144, MONDO:0032801, OMIM 618531.

Allele frequency attached by ClinVar (database versions not stated): 1000 Genomes Project 0.00040; 1000 Genomes Project 30x 0.00062; gnomAD 0.00087 and 0.00094; TOPMed 0.00097; ESP Exome Variant Server 0.00146.
gnomAD v4.1: 1,644 of 1,613,920 alleles (0.1%); highest among the groups gnomAD compares: Non-Finnish European, 0.12%; 1 homozygote.

Submissions (10):

Labcorp Genetics (formerly Invitae), Labcorp
Classification: Likely benign for Progressive familial heart block type IB. Last evaluated: 2026-02-01. Review status: criteria provided, single submitter. Criteria: Invitae Variant Classification Sherloc (09022015). Collection method: clinical testing. Allele origin: germline.

Blueprint Genetics
Classification: Likely benign. Last evaluated: 2024-11-06. Review status: criteria provided, single submitter. Criteria: ACMG Guidelines, 2015. Collection method: clinical testing. Allele origin: germline.

GeneDx
Classification: Uncertain significance. Last evaluated: 2023-12-07. Review status: criteria provided, single submitter. Criteria: GeneDx Variant Classification Process June 2021. Collection method: clinical testing. Allele origin: germline. Affected: yes.
Comment: Reported in both patients with Brugada syndrome and control subjects as well as in a cohort of stillbirth cases (PMID: 23382873, 25467552, 27711072, 30847666, 30615648); Published functional studies demonstrated p.(K914*) resulted in decreased expression of the TRPM4 channel, though a dominant effect was not established because the combined expression of wild-type and mutant TRPM4 channels was not studied (PMID: 23382873); Nonsense variant predicted to result in protein truncation or nonsense mediated decay in a gene or region of a gene for which loss of function is not a well-established mechanism of disease; This variant is associated with the following publications: (PMID: 30142439, no PMID, 24721656, 22750058, 27711072, 23382873, 30821013, 31345219, 30847666, 36982932, 37128952, 25467552, 30615648)

CeGaT Center for Human Genetics Tuebingen
Classification: Benign. Last evaluated: 2022-07-01. Review status: criteria provided, single submitter. Criteria: CeGaT Center For Human Genetics Tuebingen Variant Classification Criteria Version 2. Collection method: clinical testing. Allele origin: germline. Affected: yes. Observed: 2 variant alleles.
Comment: TRPM4: BS1, BS2

Department of Pathology and Laboratory Medicine, Sinai Health System
Classification: Uncertain significance for Progressive familial heart block type IB; Erythrokeratodermia variabilis et progressiva 6. Last evaluated: 2021-07-30. Review status: criteria provided, single submitter. Criteria: ACMG Guidelines, 2015. Collection method: research. Allele origin: germline.

ARUP Laboratories, Molecular Genetics and Genomics, ARUP Laboratories
Classification: Likely benign. Last evaluated: 2020-04-03. Review status: criteria provided, single submitter. Criteria: ARUP Molecular Germline Variant Investigation Process. Collection method: clinical testing. Allele origin: germline.

Ambry Genetics
Classification: Likely benign for Cardiovascular phenotype. Last evaluated: 2019-01-24. Review status: criteria provided, single submitter. Criteria: Ambry Variant Classification Scheme 2023. Collection method: clinical testing. Allele origin: germline.

Center for Advanced Laboratory Medicine, UC San Diego Health, University of California San Diego
Classification: Likely benign for Cardiomyopathy. Last evaluated: 2019-01-10. Review status: criteria provided, single submitter. Criteria: ACMG Guidelines, 2015. Collection method: clinical testing. Allele origin: germline. Affected: yes. Observed: 1 variant allele.

Center for Pediatric Genomic Medicine, Children's Mercy Hospital and Clinics
Classification: Uncertain significance. Last evaluated: 2017-01-03. Review status: criteria provided, single submitter. Criteria: ACMG Guidelines, 2015. Collection method: clinical testing. Allele origin: germline.
ClinVar note: Converted during submission from Uncertain Significance to Uncertain significance.

PreventionGenetics, part of Exact Sciences
Classification: Likely benign for TRPM4-related condition. Last evaluated: 2024-02-05. Review status: no assertion criteria provided. Collection method: clinical testing. Allele origin: germline. Not counted in ClinVar's aggregate classification.
Comment: This variant is classified as likely benign based on ACMG/AMP sequence variant interpretation guidelines (Richards et al. 2015 PMID: 25741868, with internal and published modifications).

Literature cited by the submitters: PubMed 25467552 (cited by Ambry Genetics); PubMed 27711072 (cited by Ambry Genetics).